The following is an entry in ClinVar:

ClinVar aggregate classification (germline): Uncertain significance (1 of 4 stars; one submission).

Conditions:
Mowat-Wilson syndrome (MOWS). Also called: Classic Mowat-Wilson Syndrome. Identifiers: Orphanet 2152, MedGen C1856113, MONDO:0009341, OMIM 235730.

Submission:

Labcorp Genetics (formerly Invitae), Labcorp
Classification: Uncertain significance for Mowat-Wilson syndrome. Last evaluated: 2023-01-13. Review status: criteria provided, single submitter. Criteria: Invitae Variant Classification Sherloc (09022015). Collection method: clinical testing. Allele origin: germline.
Comment: In summary, the available evidence is currently insufficient to determine the role of this variant in disease. Therefore, it has been classified as a Variant of Uncertain Significance. Algorithms developed to predict the effect of missense changes on protein structure and function are either unavailable or do not agree on the potential impact of this missense change (SIFT: "Deleterious"; PolyPhen-2: "Possibly Damaging"; Align-GVGD: "Class C0"). This variant has not been reported in the literature in individuals affected with ZEB2-related conditions. This variant is not present in population databases (gnomAD no frequency). This sequence change replaces serine, which is neutral and polar, with tyrosine, which is neutral and polar, at codon 853 of the ZEB2 protein (p.Ser853Tyr).

NM_014795.4(ZEB2):c.2558C>A (p.Ser853Tyr)

Gene: ZEB2 (zinc finger E-box binding homeobox 2; minus strand). Cytogenetic location: 2q22.3.
Variant type: single nucleotide variant.
Coding change: c.2558C>A on transcript NM_014795.4 (MANE Select); coding-DNA position 2558, C replaced by A.
Protein change: p.Ser853Tyr; replaces serine 853 with tyrosine.
Molecular consequence: missense variant.
Genome position (GRCh38, 1-based): chr2:144,398,629, G>T on the plus strand (C>A on the coding strand, the complement: ZEB2 is on the minus strand). VCF-style: chr2-144398629-G-T. GRCh37 (hg19) VCF-style: chr2-145156196-G-T.
Other names: c.2486C>A, p.Ser829Tyr (NM_001171653.2); short protein forms S853Y, S829Y.
Identifiers: ClinVar variation 2828272 (VCV002828272.3), dbSNP rs2549105848, ClinGen allele CA348707990.